The following is an entry in ClinVar:

ClinVar aggregate classification (germline): Uncertain significance (1 of 4 stars; one submission).

Submission:

GeneDx
Classification: Uncertain significance. Last evaluated: 2026-03-16. Review status: criteria provided, single submitter. Criteria: GeneDx Variant Classification Process June 2021. Collection method: clinical testing. Allele origin: germline.
Comment: Not observed at significant frequency in large population cohorts (gnomAD); In silico analysis supports that this missense variant has a deleterious effect on protein structure/function; Has not been previously published as pathogenic or benign to our knowledge

NM_005097.4(LGI1):c.1311C>A (p.His437Gln)

Gene: LGI1 (leucine rich glioma inactivated 1; plus strand). Cytogenetic location: 10q23.33.
Variant type: single nucleotide variant.
Coding change: c.1311C>A on transcript NM_005097.4 (MANE Select); coding-DNA position 1311, C replaced by A.
Protein change: p.His437Gln; replaces histidine 437 with glutamine.
Molecular consequence: missense variant. On other transcripts: non-coding transcript variant (1), intron variant (1).
Genome position (GRCh38, 1-based): chr10:93,797,440, C>A. VCF-style: chr10-93797440-C-A. GRCh37 (hg19) VCF-style: chr10-95557197-C-A.
Other names: c.1167C>A, p.His389Gln (NM_001308276.2); c.839-309C>A (NM_001308275.2); short protein forms H389Q, H437Q.
Identifiers: ClinVar variation 4975159 (VCV004975159.1).
Genomic context (GRCh38, chr10:93,797,440, plus strand): 5'-ACAATTATTCACTAACCAAACTGACATTCCTAACATGGAGGATGTGTACGCAGTGAAGCA[C>A]TTCTCAGTGAAAGGGGACGTGTACATTTGCTTGACAAGATTCATTGGTGATTCCAAAGTC-3'
Protein context (NP_005088.1, residues 427-447): PNMEDVYAVK[His437Gln]FSVKGDVYIC